The following is an entry in ClinVar:

ClinVar aggregate classification (germline): Benign. Review status: criteria provided, multiple submitters, no conflicts (2 of 4 stars). 3 submissions from 3 submitters: Benign (2). 1 of the submissions does not count toward it. Last evaluated 2025-10-14.

Conditions:
SCARF2-related disorder. Also called: SCARF2-related condition.

Allele frequency attached by ClinVar (database versions not stated): 1000 Genomes Project 30x 0.00062; 1000 Genomes Project 0.00080; gnomAD 0.00264 and 0.00273; gnomAD exomes 0.00274 and 0.00431; ExAC 0.00281; TOPMed 0.00290; ESP Exome Variant Server 0.00369.
gnomAD v4.1: 6,599 of 1,614,176 alleles (0.41%); highest among the groups gnomAD compares: Non-Finnish European, 0.51%; 24 homozygotes.

Submissions (3):

Labcorp Genetics (formerly Invitae), Labcorp
Classification: Benign. Last evaluated: 2025-10-14. Review status: criteria provided, single submitter. Criteria: Invitae Variant Classification Sherloc (09022015). Collection method: clinical testing. Allele origin: germline.

Breakthrough Genomics
Classification: Benign. Review status: criteria provided, single submitter. Criteria: ACMG Guidelines, 2015. Collection method: not provided. Allele origin: germline. Inheritance: Autosomal recessive inheritance. Affected: yes.

PreventionGenetics, part of Exact Sciences
Classification: Likely benign for SCARF2-related condition. Last evaluated: 2022-05-18. Review status: no assertion criteria provided. Collection method: clinical testing. Allele origin: germline. Not counted in ClinVar's aggregate classification.
Comment: This variant is classified as likely benign based on ACMG/AMP sequence variant interpretation guidelines (Richards et al. 2015 PMID: 25741868, with internal and published modifications).

NM_182895.5(SCARF2):c.1646C>T (p.Ser549Leu)

Gene: SCARF2 (scavenger receptor class F member 2; minus strand). Cytogenetic location: 22q11.21.
Variant type: single nucleotide variant.
Coding change: c.1646C>T on transcript NM_182895.5 (MANE Select); coding-DNA position 1646, C replaced by T.
Protein change: p.Ser549Leu; replaces serine 549 with leucine.
Molecular consequence: missense variant.
Genome position (GRCh38, 1-based): chr22:20,427,445, G>A on the plus strand (C>T on the coding strand, the complement: SCARF2 is on the minus strand). VCF-style: chr22-20427445-G-A. GRCh37 (hg19) VCF-style: chr22-20781732-G-A.
Other names: c.1661C>T, p.Ser554Leu (NM_153334.7); c.1661C>T (NM_153334.6); short protein forms S549L, S554L.
Identifiers: ClinVar variation 1597472 (VCV001597472.11), dbSNP rs150853613, ClinGen allele CA10112309.